The following is an entry in ClinVar:

NM_001204.7(BMPR2):c.1660G>A (p.Asp554Asn)

Gene: BMPR2 (bone morphogenetic protein receptor type 2; plus strand). Cytogenetic location: 2q33.2.
Variant type: single nucleotide variant.
Coding change: c.1660G>A on transcript NM_001204.7 (MANE Select); coding-DNA position 1660, G replaced by A.
Protein change: p.Asp554Asn; replaces aspartic acid 554 with asparagine.
Molecular consequence: missense variant.
Genome position (GRCh38, 1-based): chr2:202,555,325, G>A. VCF-style: chr2-202555325-G-A. GRCh37 (hg19) VCF-style: chr2-203420048-G-A.
Other names: short protein forms D554N.
Identifiers: ClinVar variation 4214502 (VCV004214502.1).

ClinVar aggregate classification (germline): Uncertain significance (1 of 4 stars; one submission).

Conditions:
Inborn genetic diseases. Identifiers: MedGen C0950123, MeSH D030342.

Submission:

Ambry Genetics
Classification: Uncertain significance for Inborn genetic diseases. Last evaluated: 2025-08-14. Review status: criteria provided, single submitter. Criteria: Ambry Variant Classification Scheme 2023. Collection method: clinical testing. Allele origin: germline.
Comment: The p.D554N variant (also known as c.1660G>A), located in coding exon 12 of the BMPR2 gene, results from a G to A substitution at nucleotide position 1660. The aspartic acid at codon 554 is replaced by asparagine, an amino acid with highly similar properties. This amino acid position is conserved. In addition, this alteration is predicted to be tolerated by in silico analysis. Based on the available evidence, the clinical significance of this variant remains unclear.